The following is an entry in ClinVar:

NM_005263.5(GFI1):c.274C>T (p.Pro92Ser)

Gene: GFI1 (growth factor independent 1 transcriptional repressor; minus strand). Cytogenetic location: 1p22.1.
Variant type: single nucleotide variant.
Coding change: c.274C>T on transcript NM_005263.5 (MANE Select); coding-DNA position 274, C replaced by T.
Protein change: p.Pro92Ser; replaces proline 92 with serine.
Molecular consequence: missense variant.
Genome position (GRCh38, 1-based): chr1:92,482,888, G>A on the plus strand (C>T on the coding strand, the complement: GFI1 is on the minus strand). VCF-style: chr1-92482888-G-A. GRCh37 (hg19) VCF-style: chr1-92948445-G-A.
Other names: c.274C>T, p.Pro92Ser (NM_001127215.3, NM_001127216.3); short protein forms P92S.
Identifiers: ClinVar variation 1960084 (VCV001960084.6), dbSNP rs1369543741, ClinGen allele CA341150321.

ClinVar aggregate classification (germline): Uncertain significance. Review status: criteria provided, multiple submitters, no conflicts (2 of 4 stars). 2 submissions from 2 submitters: Uncertain significance (2). Last evaluated 2025-12-03.

Conditions:
Neutropenia, severe congenital, 2, autosomal dominant. Identifiers: Orphanet 486, MedGen C2751288, MONDO:0013139, OMIM 613107.

Submissions (2):

Labcorp Genetics (formerly Invitae), Labcorp
Classification: Uncertain significance for Neutropenia, severe congenital, 2, autosomal dominant. Last evaluated: 2025-12-03. Review status: criteria provided, single submitter. Criteria: Invitae Variant Classification Sherloc (09022015). Collection method: clinical testing. Allele origin: germline.
Comment: This sequence change replaces proline, which is neutral and non-polar, with serine, which is neutral and polar, at codon 92 of the GFI1 protein (p.Pro92Ser). This variant is not present in population databases (gnomAD no frequency). This variant has not been reported in the literature in individuals affected with GFI1-related conditions. ClinVar contains an entry for this variant (Variation ID: 1960084). Invitae Evidence Modeling of protein sequence and biophysical properties (such as structural, functional, and spatial information, amino acid conservation, physicochemical variation, residue mobility, and thermodynamic stability) indicates that this missense variant is not expected to disrupt GFI1 protein function with a negative predictive value of 80%. In summary, the available evidence is currently insufficient to determine the role of this variant in disease. Therefore, it has been classified as a Variant of Uncertain Significance.

Ambry Genetics
Classification: Uncertain significance. Last evaluated: 2025-05-16. Review status: criteria provided, single submitter. Criteria: Ambry Variant Classification Scheme 2023. Collection method: clinical testing. Allele origin: germline.
Comment: The p.P92S variant (also known as c.274C>T), located in coding exon 2 of the GFI1 gene, results from a C to T substitution at nucleotide position 274. The proline at codon 92 is replaced by serine, an amino acid with similar properties. This amino acid position is conserved. In addition, this alteration is predicted to be tolerated by in silico analysis. Based on the available evidence, the clinical significance of this variant remains unclear.